The following is an entry in ClinVar:

ClinVar aggregate classification (germline): Pathogenic/Likely pathogenic. Review status: criteria provided, multiple submitters, no conflicts (2 of 4 stars). 13 submissions from 13 submitters: Pathogenic (7); Likely pathogenic (4). 2 of the submissions do not count toward it. Last evaluated 2026-10-03.

Conditions:
Arthrogryposis multiplex congenita 5. Identifiers: MedGen C5436453, MONDO:0100218, OMIM 618947.
TOR1A-related disorder. Also called: TOR1A-related disorders; TOR1A-related condition.
Dystonic disorder. Also called: Dystonia. Identifiers: MedGen C0013421, MONDO:0003441, HP:0001332.
Early-onset generalized limb-onset dystonia. Also called: DYSTONIA 1, TORSION, AUTOSOMAL DOMINANT; DYSTONIA MUSCULORUM DEFORMANS 1; Oppenheim's dystonia; Early onset torsion dystonia; Dystonia-1, torsion; DYT1 Early-Onset Primary Dystonia. Identifiers: Orphanet 256, MedGen C1851945, MONDO:0007492, OMIM 128100.

Allele frequency attached by ClinVar (database versions not stated): gnomAD exomes 0.00002 and 0.00003; TOPMed 0.00002; ExAC 0.00003.

Submissions (13):

GeneDx
Classification: Likely pathogenic. Last evaluated: 2026-10-03. Review status: criteria provided, single submitter. Criteria: GeneDx Variant Classification Process June 2021. Collection method: clinical testing. Allele origin: germline.
Comment: Nonsense variant predicted to result in protein truncation, as the last 45 amino acid(s) are lost, and other loss-of-function variants have been reported downstream in HGMD; This variant is associated with the following publications: (PMID: 32399599, 26297380, 30877032, 34426522, 31589614, 36757831, 30244176, 34008892, 40443119, 36714946)

PreventionGenetics, part of Exact Sciences
Classification: Pathogenic for TOR1A-related condition. Last evaluated: 2025-11-19. Review status: criteria provided, single submitter. Criteria: ACMG Guidelines, 2015. Collection method: clinical testing. Allele origin: germline.
Comment: The TOR1A c.862C>T variant is predicted to result in premature protein termination (p.Arg288*). This variant has been reported as homozygous or compound heterozygous in multiple individuals with arthrogryposis multiplex congenita 15 (Isik et al. 2019. PubMed ID: 30244176; Tran Mau-Them et al. 2020. PubMed ID: 32399599; Table S3, Marinakis et al. 2021. PubMed ID: 34008892; Supplemental file 1, Saffari et al. 2023. PubMed ID: 36757831). This variant is reported in 0.0053% of alleles in individuals of European (Non-Finnish) descent in gnomAD. Nonsense variants in TOR1A are expected to be pathogenic. This variant is interpreted as pathogenic.

Victorian Clinical Genetics Services, Murdoch Childrens Research Institute
Classification: Pathogenic for Arthrogryposis multiplex congenita 5. Last evaluated: 2025-08-08. Review status: criteria provided, single submitter. Criteria: ACMG Guidelines, 2015. Collection method: clinical testing. Allele origin: germline. Affected: yes.
Comment: This variant is classified as Pathogenic. Evidence in support of pathogenic classification: Variant is predicted to result in a truncated protein (premature termination codon is NOT located at least 54 nucleotides upstream of the final exon-exon junction) with less than 1/3 of the protein sequence affected; Variant is present in gnomAD <0.01 (v4: 27 heterozygote(s), 0 homozygote(s)); This variant has strong previous evidence of pathogenicity in unrelated individuals. This variant has been classified as likely pathogenic and pathogenic by clinical laboratories in ClinVar. It has also been reported in the literature in homozygous and compound heterozygous individuals with TOR1A-related features (PMIDs: 36757831, 34008892, 30244176, 32399599). Additional information: This variant is homozygous; This gene is associated with both autosomal recessive arthrogryposis multiplex congenita 5 (MIM#618947) and autosomal dominant dystonia-1, torsion (MIM#128100), of which the latter has been frequently reported in association with p.Glu303del; Variant affects the annotated Torsin-1A, C-terminal domain (DECIPHER); Loss of function is a known mechanism of disease in this gene and is associated with autosomal recessive arthrogryposis multiplex congenita 5 (MIM#618947). The mechanism of disease for autosomal dominant dystonia-1, torsion (MIM#128100) is not clearly established; The autosomal dominant condition associated with this gene has incomplete penetrance (OMIM); Variants in this gene associated with the autosomal dominant condition are known to have variable expressivity (OMIM).

Blueprint Genetics
Classification: Pathogenic for TOR1A-related disorders. Last evaluated: 2024-03-15. Review status: criteria provided, single submitter. Criteria: ACMG Guidelines, 2015. Collection method: clinical testing. Allele origin: germline. Affected: yes. Observed: 5 variant alleles.

Labcorp Genetics (formerly Invitae), Labcorp
Classification: Pathogenic for Dystonic disorder. Last evaluated: 2024-02-13. Review status: criteria provided, single submitter. Criteria: Invitae Variant Classification Sherloc (09022015). Collection method: clinical testing. Allele origin: germline.
Comment: This sequence change creates a premature translational stop signal (p.Arg288*) in the TOR1A gene. While this is not anticipated to result in nonsense mediated decay, it is expected to disrupt the last 45 amino acid(s) of the TOR1A protein. This variant is present in population databases (rs760768475, gnomAD 0.005%). This premature translational stop signal has been observed in individuals with autosomal recessive TOR1A-related conditions (PMID: 30244176, 36757831). It has also been observed to segregate with disease in related individuals. ClinVar contains an entry for this variant (Variation ID: 559927). For these reasons, this variant has been classified as Pathogenic.

CeGaT Center for Human Genetics Tuebingen
Classification: Likely pathogenic. Last evaluated: 2023-06-01. Review status: criteria provided, single submitter. Criteria: CeGaT Center For Human Genetics Tuebingen Variant Classification Criteria Version 2. Collection method: clinical testing. Allele origin: germline. Affected: yes. Observed: 1 variant allele.
Comment: TOR1A: PVS1:Strong, PM2

Broad Center for Mendelian Genomics, Broad Institute of MIT and Harvard
Classification: Pathogenic for Arthrogryposis multiplex congenita 5. Last evaluated: 2023-05-02. Review status: criteria provided, single submitter. Criteria: ACMG Guidelines, 2015. Collection method: curation. Allele origin: germline. Inheritance: Autosomal recessive inheritance.
Comment: The p.Arg288Ter variant in TOR1A has been previously reported in 8 unrelated individuals with arthrogryposis multiplex congenita 15 (PMID: 34008892, PMID: 36757831, PMID: 32399599, PMID: 30244176, ClinVar SCV002765071.1) and segregated with disease in 2 affected siblings from one family (PMID: 32399599), but has been identified in 0.005% (6/113760) of European (non-Finnish) chromosomes by the Genome Aggregation Database (gnomAD; dbSNP: rs760768475). Although this variant has been seen in the general population in a heterozygous state, its frequency is low enough to be consistent with a recessive carrier frequency. Of these 8 previously reported unrelated individuals (PMID: 34008892, PMID: 36757831, PMID: 32399599, PMID: 30244176, ClinVar SCV002765071.1), six were homozygotes (PMID: 34008892, PMID: 36757831, PMID: 32399599, PMID: 30244176, ClinVar SCV002765071.1) and two were compound heterozygotes who carried pathogenic variants in trans (PMID: 36757831, ClinVar Variation ID: 5180), which increases the likelihood that the p.Arg288Ter variant is pathogenic. This variant has also been reported in ClinVar (Variation ID: 559927) and has been interpreted as pathogenic or likely pathogenic by multiple submitters. This nonsense variant leads to a premature termination codon at position 288. This alteration occurs within the terminal 50 bases of the last exon and is more likely to escape nonsense mediated decay (NMD) and result in a truncated protein. Loss of function of the TOR1A gene is an established disease mechanism in autosomal recessive arthrogryposis multiplex congenita 15. In summary, this variant meets criteria to be classified as pathogenic for autosomal recessive arthrogryposis multiplex congenita 15. ACMG/AMP Criteria applied: PVS1_Strong, PM3_Strong, PM2_Supporting (Richards 2015).

Institute of Human Genetics, University of Leipzig Medical Center
Classification: Likely pathogenic for Arthrogryposis multiplex congenita 5. Last evaluated: 2022-11-24. Review status: criteria provided, single submitter. Criteria: ACMG Guidelines, 2015. Collection method: clinical testing. Allele origin: unknown. Affected: yes.
Comment: This variant was identified as homozygous._x000D_ Criteria applied: PVS1_STR, PM3, PM2_SUP

Laboratorio de Genetica e Diagnostico Molecular, Hospital Israelita Albert Einstein
Classification: Pathogenic for Arthrogryposis multiplex congenita 5. Last evaluated: 2022-09-16. Review status: criteria provided, single submitter. Criteria: ACMG Guidelines, 2015. Collection method: clinical testing. Allele origin: germline. Affected: yes.
Comment: ACMG classification criteria: PVS1 very strong, PS4 supporting, PM2 supporting, PM3 supporting

Laboratory of Medical Genetics, National & Kapodistrian University of Athens
Classification: Pathogenic for Early-onset generalized limb-onset dystonia. Last evaluated: 2021-10-01. Review status: criteria provided, single submitter. Criteria: ACMG Guidelines, 2015. Collection method: clinical testing. Allele origin: unknown. Affected: yes.
Comment: PVS1, PP3, PP5

Equipe Genetique des Anomalies du Developpement, Université de Bourgogne
Classification: Likely pathogenic for Early-onset generalized limb-onset dystonia. Last evaluated: 2017-03-22. Review status: criteria provided, single submitter. Criteria: ACMG Guidelines, 2015. Collection method: clinical testing. Allele origin: unknown. Affected: yes. Study: Clinvar_gadteam_Clinical_exome_analysis_3.

Zotz-Klimas Genetics Lab, MVZ Zotz Klimas
Classification: Pathogenic for Arthrogryposis multiplex congenita 5. Last evaluated: 2023-10-30. Review status: no assertion criteria provided. Collection method: clinical testing. Allele origin: germline. Affected: yes. Not counted in ClinVar's aggregate classification.

OMIM
Classification: Pathogenic for ARTHROGRYPOSIS MULTIPLEX CONGENITA 5. Last evaluated: 2020-07-31. Review status: no assertion criteria provided. Collection method: literature only. Allele origin: germline. Not counted in ClinVar's aggregate classification.

Literature cited by the submitters: PubMed 34008892 (cited by Victorian Clinical Genetics Services, Murdoch Childrens Research Institute and Laboratory of Medical Genetics, National & Kapodistrian University of Athens); PubMed 36757831 (cited by Victorian Clinical Genetics Services, Murdoch Childrens Research Institute and Labcorp Genetics (formerly Invitae), Labcorp); PubMed 32399599 (cited by Victorian Clinical Genetics Services, Murdoch Childrens Research Institute); PubMed 30244176 (cited by 3 submitters).

NM_000113.3(TOR1A):c.862C>T (p.Arg288Ter)

Gene: TOR1A (torsin family 1 member A; minus strand). Cytogenetic location: 9q34.11.
Variant type: single nucleotide variant.
Coding change: c.862C>T on transcript NM_000113.3 (MANE Select); coding-DNA position 862, C replaced by T.
Protein change: p.Arg288Ter; replaces arginine 288 with a stop codon.
Molecular consequence: nonsense.
Genome position (GRCh38, 1-based): chr9:129,814,109, G>A on the plus strand (C>T on the coding strand, the complement: TOR1A is on the minus strand). VCF-style: chr9-129814109-G-A. GRCh37 (hg19) VCF-style: chr9-132576388-G-A.
Other names: NM_000113.3(TOR1A):c.862C>T; p.Arg288Ter; short protein forms R288*.
Identifiers: ClinVar variation 559927 (VCV000559927.42), dbSNP rs760768475, ClinGen allele CA5278519.